The following is an entry in ClinVar:

NM_004168.4(SDHA):c.1078G>A (p.Glu360Lys)

Gene: SDHA (succinate dehydrogenase complex flavoprotein subunit A; plus strand). Cytogenetic location: 5p15.33.
Variant type: single nucleotide variant.
Coding change: c.1078G>A on transcript NM_004168.4 (MANE Select); coding-DNA position 1078, G replaced by A.
Protein change: p.Glu360Lys; replaces glutamic acid 360 with lysine.
Molecular consequence: missense variant.
Genome position (GRCh38, 1-based): chr5:235,157, G>A. VCF-style: chr5-235157-G-A. GRCh37 (hg19) VCF-style: chr5-235272-G-A.
Other names: c.934G>A, p.Glu312Lys (NM_001294332.2); c.1078G>A, p.Glu360Lys (NM_001330758.2); short protein forms E360K, E312K.
Identifiers: ClinVar variation 539652 (VCV000539652.19), dbSNP rs766779919, ClinGen allele CA3173109.
Genomic context (GRCh38, chr5:235,157, plus strand): 5'-TGCCGTTGCCGTTCTCTGCCGTATGTGATGGTGTTCTGTCTTACCAGAGGCTGTGGCCCT[G>A]AGAAAGATCACGTCTACCTGCAGCTGCACCACCTACCTCCAGAGCAGCTGGCCACGCGCC-3'
Protein context (NP_004159.2, residues 350-370): EIREGRGCGP[Glu360Lys]KDHVYLQLHH

ClinVar aggregate classification (germline): Uncertain significance. Review status: criteria provided, multiple submitters, no conflicts (2 of 4 stars). 5 submissions from 5 submitters: Uncertain significance (5). Last evaluated 2025-01-15.

Conditions:
Dilated cardiomyopathy 1GG (CMD1GG). Identifiers: Orphanet 154, MedGen C3150898, MONDO:0013339, OMIM 613642.
Neurodegeneration with ataxia and late-onset optic atrophy. Identifiers: MedGen C5543254, MONDO:0031006, OMIM 619259.
Mitochondrial complex II deficiency, nuclear type 1. Also called: SUCCINATE CoQ REDUCTASE DEFICIENCY. Identifiers: Orphanet 3208, MedGen C5700310, MONDO:0100294, OMIM 252011.
Pheochromocytoma/paraganglioma syndrome 5. Also called: Paragangliomas 5; SDHA-Related Hereditary Paraganglioma-Pheochromocytoma Syndrome. Identifiers: Orphanet 29072, MedGen C3279992, MONDO:0013602, OMIM 614165.
Hereditary cancer-predisposing syndrome. Also called: Neoplastic Syndromes, Hereditary; Tumor predisposition; Hereditary neoplastic syndrome; Hereditary Cancer Syndrome. Identifiers: Orphanet 140162, MedGen C0027672, MeSH D009386, MONDO:0015356.

Allele frequency attached by ClinVar (database versions not stated): gnomAD exomes below 0.00001 and 0.00001; gnomAD 0.00001; TOPMed 0.00001; ExAC 0.00002.

Submissions (5):

Women's Health and Genetics/Laboratory Corporation of America, LabCorp
Classification: Uncertain significance. Last evaluated: 2025-01-15. Review status: criteria provided, single submitter. Criteria: LabCorp Variant Classification Summary - May 2015. Collection method: clinical testing. Allele origin: germline.
Comment: Variant summary: SDHA c.1078G>A (p.Glu360Lys) results in a conservative amino acid change located in the FAD binding domain of the encoded protein sequence. Four of five in-silico tools predict a benign effect of the variant on protein function. The variant allele was found at a frequency of 8e-06 in 251102 control chromosomes. The available data on variant occurrences in the general population are insufficient to allow any conclusion about variant significance. To our knowledge, no occurrence of c.1078G>A in individuals affected with Neurodegeneration With Ataxia And Late-Onset Optic Atrophy and no experimental evidence demonstrating its impact on protein function have been reported. ClinVar contains an entry for this variant (Variation ID: 539652). Based on the evidence outlined above, the variant was classified as uncertain significance.

Ambry Genetics
Classification: Uncertain significance for Hereditary cancer-predisposing syndrome. Last evaluated: 2024-09-26. Review status: criteria provided, single submitter. Criteria: Ambry Variant Classification Scheme 2023. Collection method: clinical testing. Allele origin: germline.
Comment: The p.E360K variant (also known as c.1078G>A), located in coding exon 9 of the SDHA gene, results from a G to A substitution at nucleotide position 1078. The glutamic acid at codon 360 is replaced by lysine, an amino acid with similar properties. This amino acid position is conserved. In addition, this alteration is predicted to be tolerated by in silico analysis. Since supporting evidence is limited at this time, the clinical significance of this alteration remains unclear.

Labcorp Genetics (formerly Invitae), Labcorp
Classification: Uncertain significance for Pheochromocytoma/paraganglioma syndrome 5; Mitochondrial complex II deficiency, nuclear type 1. Last evaluated: 2024-05-11. Review status: criteria provided, single submitter. Criteria: Invitae Variant Classification Sherloc (09022015). Collection method: clinical testing. Allele origin: germline.
Comment: This sequence change replaces glutamic acid, which is acidic and polar, with lysine, which is basic and polar, at codon 360 of the SDHA protein (p.Glu360Lys). This variant is present in population databases (rs766779919, gnomAD 0.002%). This variant has not been reported in the literature in individuals affected with SDHA-related conditions. ClinVar contains an entry for this variant (Variation ID: 539652). Advanced modeling of protein sequence and biophysical properties (such as structural, functional, and spatial information, amino acid conservation, physicochemical variation, residue mobility, and thermodynamic stability) performed at Invitae indicates that this missense variant is not expected to disrupt SDHA protein function with a negative predictive value of 95%. In summary, the available evidence is currently insufficient to determine the role of this variant in disease. Therefore, it has been classified as a Variant of Uncertain Significance.

Baylor Genetics
Classification: Uncertain significance for Dilated cardiomyopathy 1GG. Last evaluated: 2023-09-28. Review status: criteria provided, single submitter. Criteria: ACMG Guidelines, 2015. Collection method: clinical testing. Allele origin: unknown.

Fulgent Genetics
Classification: Uncertain significance for Mitochondrial complex II deficiency, nuclear type 1; Dilated cardiomyopathy 1GG; Pheochromocytoma/paraganglioma syndrome 5; Neurodegeneration with ataxia and late-onset optic atrophy. Last evaluated: 2021-12-05. Review status: criteria provided, single submitter. Criteria: ACMG Guidelines, 2015. Collection method: clinical testing. Allele origin: unknown.